The following is an entry in ClinVar:

NM_001039591.3(USP9X):c.3797A>G (p.Lys1266Arg)

Gene: USP9X (ubiquitin specific peptidase 9 X-linked; plus strand). Cytogenetic location: Xp11.4.
Variant type: single nucleotide variant.
Coding change: c.3797A>G on transcript NM_001039591.3 (MANE Select); coding-DNA position 3797, A replaced by G.
Protein change: p.Lys1266Arg; replaces lysine 1266 with arginine.
Molecular consequence: missense variant.
Genome position (GRCh38, 1-based): chrX:41,188,104, A>G. VCF-style: chrX-41188104-A-G. GRCh37 (hg19) VCF-style: chrX-41047357-A-G.
Other names: c.3797A>G, p.Lys1266Arg (NM_001039590.3); c.3812A>G, p.Lys1271Arg (NM_001410748.1, NM_001410749.1); short protein forms K1266R, K1271R.
Identifiers: ClinVar variation 1721319 (VCV001721319.5), dbSNP rs765979381, ClinGen allele CA10388772.

ClinVar aggregate classification (germline): Uncertain significance (1 of 4 stars; one submission).

Allele frequency attached by ClinVar (database versions not stated): gnomAD exomes below 0.00001; ExAC 0.00001.
gnomAD v4.1: 1 of 1,207,436 alleles (0.000083%); highest among the groups gnomAD compares: Admixed American, 0.0022%; no homozygotes.

Submission:

Labcorp Genetics (formerly Invitae), Labcorp
Classification: Uncertain significance. Last evaluated: 2022-10-08. Review status: criteria provided, single submitter. Criteria: Invitae Variant Classification Sherloc (09022015). Collection method: clinical testing. Allele origin: germline.
Comment: In summary, the available evidence is currently insufficient to determine the role of this variant in disease. Therefore, it has been classified as a Variant of Uncertain Significance. Algorithms developed to predict the effect of missense changes on protein structure and function output the following: SIFT: "Deleterious"; PolyPhen-2: "Benign"; Align-GVGD: "Class C0". The arginine amino acid residue is found in multiple mammalian species, which suggests that this missense change does not adversely affect protein function. This variant has not been reported in the literature in individuals affected with USP9X-related conditions. This variant is present in population databases (rs765979381, gnomAD 0.004%). This sequence change replaces lysine, which is basic and polar, with arginine, which is basic and polar, at codon 1266 of the USP9X protein (p.Lys1266Arg).